The following is an entry in ClinVar:

ClinVar aggregate classification (germline): Conflicting classifications of pathogenicity. Review status: criteria provided, conflicting classifications (1 of 4 stars). 2 submissions from 2 submitters: Uncertain significance (1); Likely benign (1). Last evaluated 2024-11-05.

Conditions:
PKD1-related disorder. Also called: PKD1-related condition.
Polycystic kidney disease, adult type (PKD1). Also called: Polycystic Kidney Disease 1, Autosomal Dominant; Polycystic kidney disease 1; Polycystic kidney disease 1, severe; Polycystic Kidney, Autosomal Dominant; POLYCYSTIC KIDNEY DISEASE, ADULT, TYPE I; POLYCYSTIC KIDNEY DISEASE 1 WITH OR WITHOUT POLYCYSTIC LIVER DISEASE. Identifiers: MedGen C3149841, MONDO:0008263, OMIM 173900.

gnomAD v4.1: 146 of 1,611,994 alleles (0.0091%); highest among the groups gnomAD compares: Non-Finnish European, 0.012%; no homozygotes.

Submissions (2):

PreventionGenetics, part of Exact Sciences
Classification: Likely benign for PKD1-related condition. Last evaluated: 2024-11-05. Review status: criteria provided, single submitter. Criteria: ACMG Guidelines, 2015. Collection method: clinical testing. Allele origin: germline.
Comment: This variant is classified as likely benign based on ACMG/AMP sequence variant interpretation guidelines (Richards et al. 2015 PMID: 25741868, with internal and published modifications).

Fulgent Genetics
Classification: Uncertain significance for Polycystic kidney disease, adult type. Last evaluated: 2024-02-21. Review status: criteria provided, single submitter. Criteria: ACMG Guidelines, 2015. Collection method: clinical testing. Allele origin: germline.

NM_001009944.3(PKD1):c.4665A>T (p.Ala1555=)

Gene: PKD1 (polycystin 1, transient receptor potential channel interacting; minus strand). Cytogenetic location: 16p13.3.
Variant type: single nucleotide variant.
Coding change: c.4665A>T on transcript NM_001009944.3 (MANE Select); coding-DNA position 4665, A replaced by T.
Protein change: p.Ala1555=; no amino-acid change (alanine 1555 retained).
Molecular consequence: synonymous variant.
Genome position (GRCh38, 1-based): chr16:2,110,502, T>A on the plus strand (A>T on the coding strand, the complement: PKD1 is on the minus strand). VCF-style: chr16-2110502-T-A. GRCh37 (hg19) VCF-style: chr16-2160503-T-A.
Other names: c.4665A>T, p.Ala1555= (NM_000296.4).
Identifiers: ClinVar variation 3579499 (VCV003579499.2).